The following is an entry in ClinVar:

ClinVar aggregate classification (germline): Likely benign. Review status: criteria provided, multiple submitters, no conflicts (2 of 4 stars). 4 submissions from 4 submitters: Likely benign (3). 1 of the submissions does not count toward it. Last evaluated 2023-12-18.

Conditions:
Wilson disease (WND). Also called: Wilson's disease. Identifiers: Orphanet 905, MedGen C0019202, MONDO:0010200, OMIM 277900. Disease mechanism: loss of function.

Submissions (4):

All of Us Research Program, National Institutes of Health
Classification: Likely benign for Wilson disease. Last evaluated: 2023-12-18. Review status: criteria provided, single submitter. Criteria: ACMG Guidelines, 2015. Collection method: clinical testing. Allele origin: germline. Inheritance: Autosomal recessive inheritance. Observed: 2 variant alleles, 2 heterozygotes.
Comment: This study involves interpretation of variants in research participants for the purpose of population health screening. Participant phenotype was not available at the time of variant classification. Additional details can be found in publication PMID: 35346344, PMCID: PMC8962531

Color Diagnostics, LLC DBA Color Health
Classification: Likely benign for Wilson disease. Last evaluated: 2023-07-21. Review status: criteria provided, single submitter. Criteria: ACMG Guidelines, 2015. Collection method: clinical testing. Allele origin: germline.

Labcorp Genetics (formerly Invitae), Labcorp
Classification: Likely benign for Wilson disease. Last evaluated: 2022-12-15. Review status: criteria provided, single submitter. Criteria: Invitae Variant Classification Sherloc (09022015). Collection method: clinical testing. Allele origin: germline.

Natera, Inc.
Classification: Likely benign for Wilson disease. Last evaluated: 2021-07-06. Review status: no assertion criteria provided. Collection method: clinical testing. Allele origin: germline. Not counted in ClinVar's aggregate classification.

NM_000053.4(ATP7B):c.1164G>A (p.Gln388=)

Gene: ATP7B (ATPase copper transporting beta; minus strand). Cytogenetic location: 13q14.3.
Variant type: single nucleotide variant.
Coding change: c.1164G>A on transcript NM_000053.4 (MANE Select); coding-DNA position 1164, G replaced by A.
Protein change: p.Gln388=; no amino-acid change (glutamine 388 retained).
Molecular consequence: synonymous variant.
Genome position (GRCh38, 1-based): chr13:51,974,056, C>T on the plus strand (G>A on the coding strand, the complement: ATP7B is on the minus strand). VCF-style: chr13-51974056-C-T. GRCh37 (hg19) VCF-style: chr13-52548192-C-T.
Other names: c.1164G>A, p.Gln388= (NM_001005918.3, NM_001330578.2, NM_001330579.2); c.831G>A, p.Gln277= (NM_001243182.2).
Identifiers: ClinVar variation 1090119 (VCV001090119.14), dbSNP rs2140070526, ClinGen allele CA484024608.